The following is an entry in ClinVar:

ClinVar aggregate classification (germline): Uncertain significance. Review status: criteria provided, multiple submitters, no conflicts (2 of 4 stars). 3 submissions from 3 submitters: Uncertain significance (3). Last evaluated 2025-11-04.

Conditions:
Emery-Dreifuss muscular dystrophy 5, autosomal dominant (EDMD5). Also called: EMERY-DREIFUSS MUSCULAR DYSTROPHY 5. Identifiers: Orphanet 261, MedGen C2751805, MONDO:0013072, OMIM 612999.

Allele frequency attached by ClinVar (database versions not stated): gnomAD 0.00003; ExAC 0.00007; TOPMed 0.00007; gnomAD exomes 0.00009.
gnomAD v4.1: 140 of 1,614,034 alleles (0.0087%); highest among the groups gnomAD compares: Non-Finnish European, 0.011%; no homozygotes.

Submissions (3):

Athena Diagnostics
Classification: Uncertain significance. Last evaluated: 2025-11-04. Review status: criteria provided, single submitter. Criteria: Athena Diagnostics Criteria. Collection method: clinical testing. Allele origin: unknown.
Comment: Available data are insufficient to determine the clinical significance of the variant at this time. The frequency of this variant in the general population is uninformative in assessment of its pathogenicity. Polyphen and MutationTaster predict this amino acid change may be benign.

Ambry Genetics
Classification: Uncertain significance. Last evaluated: 2025-08-14. Review status: criteria provided, single submitter. Criteria: Ambry Variant Classification Scheme 2023. Collection method: clinical testing. Allele origin: germline.

Labcorp Genetics (formerly Invitae), Labcorp
Classification: Uncertain significance for Emery-Dreifuss muscular dystrophy 5, autosomal dominant. Last evaluated: 2023-10-29. Review status: criteria provided, single submitter. Criteria: Invitae Variant Classification Sherloc (09022015). Collection method: clinical testing. Allele origin: germline.
Comment: This sequence change replaces glutamic acid, which is acidic and polar, with lysine, which is basic and polar, at codon 6594 of the SYNE2 protein (p.Glu6594Lys). This variant is present in population databases (rs768101107, gnomAD 0.02%). This variant has not been reported in the literature in individuals affected with SYNE2-related conditions. ClinVar contains an entry for this variant (Variation ID: 2508873). Algorithms developed to predict the effect of missense changes on protein structure and function output the following: SIFT: "Not Available"; PolyPhen-2: "Benign"; Align-GVGD: "Not Available". The lysine amino acid residue is found in multiple mammalian species, which suggests that this missense change does not adversely affect protein function. In summary, the available evidence is currently insufficient to determine the role of this variant in disease. Therefore, it has been classified as a Variant of Uncertain Significance.

NM_182914.3(SYNE2):c.19780G>A (p.Glu6594Lys)

Gene: SYNE2 (spectrin repeat containing nuclear envelope protein 2; plus strand). Cytogenetic location: 14q23.2.
Variant type: single nucleotide variant.
Coding change: c.19780G>A on transcript NM_182914.3 (MANE Select); coding-DNA position 19780, G replaced by A.
Protein change: p.Glu6594Lys; replaces glutamic acid 6594 with lysine.
Molecular consequence: missense variant.
Genome position (GRCh38, 1-based): chr14:64,219,330, G>A. VCF-style: chr14-64219330-G-A. GRCh37 (hg19) VCF-style: chr14-64686048-G-A.
Other names: c.19711G>A, p.Glu6571Lys (NM_015180.6); c.304G>A, p.Glu102Lys (NM_182910.2); c.682G>A, p.Glu228Lys (NM_182913.4); short protein forms E6571K, E6594K, E102K, E228K.
Identifiers: ClinVar variation 2508873 (VCV002508873.7), dbSNP rs768101107, ClinGen allele CA7224581.